The following is an entry in ClinVar:

ClinVar aggregate classification (germline): Benign/Likely benign. Review status: criteria provided, multiple submitters, no conflicts (2 of 4 stars). 8 submissions from 8 submitters: Benign (5); Likely benign (3). Last evaluated 2026-02-04.

Conditions:
Combined immunodeficiency due to DOCK8 deficiency (HIES2). Also called: Hyper-IgE recurrent infection syndrome, autosomal recessive; HYPER-IgE RECURRENT INFECTION SYNDROME 2, AUTOSOMAL RECESSIVE; DOCK8 Deficiency; HIES autosomal recessive; HYPER-IgE SYNDROME 2, AUTOSOMAL RECESSIVE, WITH RECURRENT INFECTIONS. Identifiers: Orphanet 217390, MedGen C4722305, MONDO:0009478, OMIM 243700.

Allele frequency attached by ClinVar (database versions not stated): gnomAD exomes 0.06121; ExAC 0.06459; gnomAD 0.07052 and 0.07318; TOPMed 0.07132; ESP Exome Variant Server 0.07504; 1000 Genomes Project 30x 0.10181; 1000 Genomes Project 0.10244.
gnomAD v4.1: 88,604 of 1,613,720 alleles (5.5%); highest among the groups gnomAD compares: South Asian, 16%; 3,600 homozygotes.

Submissions (8):

Labcorp Genetics (formerly Invitae), Labcorp
Classification: Benign for Combined immunodeficiency due to DOCK8 deficiency. Last evaluated: 2026-02-04. Review status: criteria provided, single submitter. Criteria: Invitae Variant Classification Sherloc (09022015). Collection method: clinical testing. Allele origin: germline.

Blueprint Genetics
Classification: Likely benign. Last evaluated: 2024-11-27. Review status: criteria provided, single submitter. Criteria: ACMG Guidelines, 2015. Collection method: clinical testing. Allele origin: germline.

Women's Health and Genetics/Laboratory Corporation of America, LabCorp
Classification: Likely benign. Last evaluated: 2021-12-10. Review status: criteria provided, single submitter. Criteria: LabCorp Variant Classification Summary - May 2015. Collection method: clinical testing. Allele origin: germline.

Mayo Clinic Laboratories, Mayo Clinic
Classification: Benign. Last evaluated: 2019-07-17. Review status: criteria provided, single submitter. Criteria: ACMG Guidelines, 2015. Collection method: clinical testing. Allele origin: germline. Observed: 114 variant alleles.

Illumina Laboratory Services, Illumina
Classification: Benign for Combined immunodeficiency due to DOCK8 deficiency. Last evaluated: 2018-01-13. Review status: criteria provided, single submitter. Criteria: ICSL Variant Classification Criteria 13 December 2019. Collection method: clinical testing. Allele origin: germline.
Comment: This variant was observed in the ICSL laboratory as part of a predisposition screen in an ostensibly healthy population. It had not been previously curated by ICSL or reported in the Human Gene Mutation Database (HGMD: prior to June 1st, 2018), and was therefore a candidate for classification through an automated scoring system. Utilizing variant allele frequency, disease prevalence and penetrance estimates, and inheritance mode, an automated score was calculated to assess if this variant is too frequent to cause the disease. Based on the score and internal cut-off values, a variant classified as benign is not then subjected to further curation. The score for this variant resulted in a classification of benign for this disease.

GeneDx
Classification: Benign. Last evaluated: 2014-04-28. Review status: criteria provided, single submitter. Criteria: GeneDx Variant Classification (06012015). Collection method: clinical testing. Allele origin: germline. Affected: yes.
Comment: This variant is considered likely benign or benign based on one or more of the following criteria: it is a conservative change, it occurs at a poorly conserved position in the protein, it is predicted to be benign by multiple in silico algorithms, and/or has population frequency not consistent with disease.

Laboratory for Molecular Medicine, Mass General Brigham Personalized Medicine
Classification: Benign. Last evaluated: 2013-02-21. Review status: criteria provided, single submitter. Criteria: LMM Criteria. Collection method: clinical testing. Allele origin: germline. Observed: 9 variant alleles.
Comment: Ala1970Pro in exon 45 of DOCK8: This variant is not expected to have clinical si gnificance because it has been identified in 13.3% (584/4406) of African America n chromosomes from a broad population by the NHLBI Exome Sequencing Project (dbSNP rs34908836).

Breakthrough Genomics
Classification: Likely benign. Review status: criteria provided, single submitter. Criteria: ACMG Guidelines, 2015. Collection method: not provided. Allele origin: germline. Inheritance: Autosomal recessive inheritance. Affected: yes.

NM_203447.4(DOCK8):c.5908G>C (p.Ala1970Pro)

Gene: DOCK8 (dedicator of cytokinesis 8; plus strand). Cytogenetic location: 9p24.3.
Variant type: single nucleotide variant.
Coding change: c.5908G>C on transcript NM_203447.4 (MANE Select); coding-DNA position 5908, G replaced by C.
Protein change: p.Ala1970Pro; replaces alanine 1970 with proline.
Molecular consequence: missense variant.
Genome position (GRCh38, 1-based): chr9:449,874, G>C. VCF-style: chr9-449874-G-C. GRCh37 (hg19) VCF-style: chr9-449874-G-C.
Other names: p.A1902P:GCA>CCA; c.5608G>C, p.Ala1870Pro (NM_001190458.2); c.5704G>C, p.Ala1902Pro (NM_001193536.2); short protein forms A1970P, A1902P, A1870P.
Identifiers: ClinVar variation 137154 (VCV000137154.19), dbSNP rs34908836, ClinGen allele CA183000.
Genomic context (GRCh38, chr9:449,874, plus strand): 5'-GAAGACATGAAGAAGAAGACCCTGCAGTTAGCAGTTGCCATTAACCAGGAGCCGCCTGAT[G>C]CAAAGATGCTTCAGATGGTGCTGCAAGGCTCTGTGGGAGCTACTGTAAATCAGGTAAGCA-3'
Protein context (NP_982272.2, residues 1960-1980): AVAINQEPPD[Ala1970Pro]KMLQMVLQGS